The following is an entry in ClinVar:

NM_000110.4(DPYD):c.2182G>A (p.Gly728Ser)

Genes: DPYD (dihydropyrimidine dehydrogenase; minus strand), DPYD-AS1 (DPYD antisense RNA 1; plus strand). Cytogenetic location: 1p21.3.
Variant type: single nucleotide variant.
Coding change: c.2182G>A on transcript NM_000110.4 (MANE Select); coding-DNA position 2182, G replaced by A.
Protein change: p.Gly728Ser; replaces glycine 728 with serine.
Molecular consequence: missense variant.
Genome position (GRCh38, 1-based): chr1:97,305,376, C>T on the plus strand (G>A on the coding strand, the complement: DPYD is on the minus strand). VCF-style: chr1-97305376-C-T. GRCh37 (hg19) VCF-style: chr1-97770932-C-T.
Other names: short protein forms G728S.
Identifiers: ClinVar variation 3842359 (VCV003842359.1).

ClinVar aggregate classification (germline): Uncertain significance (1 of 4 stars; one submission).

Conditions:
Inborn genetic diseases. Identifiers: MedGen C0950123, MeSH D030342.

Submission:

Ambry Genetics
Classification: Uncertain significance for Inborn genetic diseases. Last evaluated: 2025-02-23. Review status: criteria provided, single submitter. Criteria: Ambry Variant Classification Scheme 2023. Collection method: clinical testing. Allele origin: germline.
Comment: The p.G728S variant (also known as c.2182G>A), located in coding exon 18 of the DPYD gene, results from a G to A substitution at nucleotide position 2182. The glycine at codon 728 is replaced by serine, an amino acid with similar properties. This amino acid position is conserved. In addition, this alteration is predicted to be deleterious by in silico analysis. Based on the available evidence, the clinical significance of this variant remains unclear.